The following is an entry in ClinVar:

NM_000264.5(PTCH1):c.3241_3245dup (p.Val1083fs)

Gene: PTCH1 (patched 1; minus strand). Cytogenetic location: 9q22.32.
Variant type: Microsatellite.
Coding change: c.3241_3245dup on transcript NM_000264.5 (MANE Select); coding-DNA positions 3241 to 3245, 5 bases duplicated (GTGCC; older notation c.3241_3245dupGTGCC).
Protein change: p.Val1083fs; shifts the reading frame from valine 1083.
Molecular consequence: frameshift variant. On other transcripts: non-coding transcript variant (1).
Genome position (GRCh38, 1-based): chr9:95,456,337-95,456,341, GGCAC duplicated on the plus strand (GTGCC on the coding strand, the reverse complement: PTCH1 is on the minus strand); duplicating any 5 consecutive bases within chr9:95,456,337-95,456,346 gives the same sequence; the c. name uses the placement nearest the transcript's 3' end. VCF-style (leftmost placement, unchanged base first): chr9-95456336-G-GGGCAC. GRCh37 (hg19) VCF-style: chr9-98218618-G-GGGCAC.
Other names: c.3043_3047dup, p.Val1017fs (NM_001083602.3); c.3238_3242dup, p.Val1082fs (NM_001083603.3); c.2788_2792dup, p.Val932fs (NM_001083604.3, NM_001083605.3, NM_001083606.3 and 1 more transcripts); c.3085_3089dup, p.Val1031fs (NM_001354918.2); short protein forms V1017fs, V1031fs, V1082fs, V1083fs, V932fs.
Identifiers: ClinVar variation 1074634 (VCV001074634.7), dbSNP rs2136648673, ClinGen allele CA2580616248.

ClinVar aggregate classification (germline): Pathogenic (1 of 4 stars; one submission).

Conditions:
Gorlin syndrome. Also called: Basal cell nevus syndrome; Nevoid Basal Cell Carcinoma Syndrome. Identifiers: Orphanet 377, MedGen C0004779, MONDO:0007187.

Submission:

Labcorp Genetics (formerly Invitae), Labcorp
Classification: Pathogenic for Gorlin syndrome. Last evaluated: 2020-08-19. Review status: criteria provided, single submitter. Criteria: Invitae Variant Classification Sherloc (09022015). Collection method: clinical testing. Allele origin: germline.
Comment: This sequence change creates a premature translational stop signal (p.Val1083Cysfs*6) in the PTCH1 gene. It is expected to result in an absent or disrupted protein product. This variant is not present in population databases (ExAC no frequency). This variant has not been reported in the literature in individuals with PTCH1-related conditions. Loss-of-function variants in PTCH1 are known to be pathogenic (PMID: 16301862, 16419085). For these reasons, this variant has been classified as Pathogenic.

Literature cited by the submitters: PubMed 16301862; PubMed 16419085.